The following is an entry in ClinVar:

NM_001903.5(CTNNA1):c.156A>T (p.Arg52Ser)

Gene: CTNNA1 (catenin alpha 1; plus strand). Cytogenetic location: 5q31.2.
Variant type: single nucleotide variant.
Coding change: c.156A>T on transcript NM_001903.5 (MANE Select); coding-DNA position 156, A replaced by T.
Protein change: p.Arg52Ser; replaces arginine 52 with serine.
Molecular consequence: missense variant. On other transcripts: intron variant (1), 5 prime UTR variant (1).
Genome position (GRCh38, 1-based): chr5:138,783,227, A>T. VCF-style: chr5-138783227-A-T. GRCh37 (hg19) VCF-style: chr5-138118916-A-T.
Other names: c.-9+1198A>T (NM_001290309.3); c.156A>T, p.Arg52Ser (NM_001290307.3, NM_001323982.2, NM_001323983.1 and 3 more transcripts); c.-51A>T (NM_001290310.3); short protein forms R52S.
Identifiers: ClinVar variation 3639812 (VCV003639812.2).

ClinVar aggregate classification (germline): Uncertain significance (1 of 4 stars; one submission).

Submission:

Labcorp Genetics (formerly Invitae), Labcorp
Classification: Uncertain significance. Last evaluated: 2024-02-09. Review status: criteria provided, single submitter. Criteria: Invitae Variant Classification Sherloc (09022015). Collection method: clinical testing. Allele origin: germline.
Comment: This sequence change replaces arginine, which is basic and polar, with serine, which is neutral and polar, at codon 52 of the CTNNA1 protein (p.Arg52Ser). This variant is not present in population databases (gnomAD no frequency). This variant has not been reported in the literature in individuals affected with CTNNA1-related conditions. Advanced modeling of protein sequence and biophysical properties (such as structural, functional, and spatial information, amino acid conservation, physicochemical variation, residue mobility, and thermodynamic stability) has been performed at Invitae for this missense variant, however the output from this modeling did not meet the statistical confidence thresholds required to predict the impact of this variant on CTNNA1 protein function. In summary, the available evidence is currently insufficient to determine the role of this variant in disease. Therefore, it has been classified as a Variant of Uncertain Significance.